The following is an entry in ClinVar:

ClinVar aggregate classification (germline): Uncertain significance (1 of 4 stars; one submission).

Allele frequency attached by ClinVar (database versions not stated): gnomAD exomes 0.00001.
gnomAD v4.1: 3 of 1,614,234 alleles (0.00019%); highest among the groups gnomAD compares: Admixed American, 0.0033%; no homozygotes.

Submission:

Ambry Genetics
Classification: Uncertain significance. Last evaluated: 2024-11-14. Review status: criteria provided, single submitter. Criteria: Ambry Variant Classification Scheme 2023. Collection method: clinical testing. Allele origin: germline.
Comment: The p.I862M variant (also known as c.2586C>G), located in coding exon 16 of the POLQ gene, results from a C to G substitution at nucleotide position 2586. The isoleucine at codon 862 is replaced by methionine, an amino acid with highly similar properties. This amino acid position is conserved. In addition, this alteration is predicted to be tolerated by in silico analysis. Since supporting evidence is limited at this time, the clinical significance of this alteration remains unclear.

NM_199420.4(POLQ):c.2586C>G (p.Ile862Met)

Gene: POLQ (DNA polymerase theta; minus strand). Cytogenetic location: 3q13.33.
Variant type: single nucleotide variant.
Coding change: c.2586C>G on transcript NM_199420.4 (MANE Select); coding-DNA position 2586, C replaced by G.
Protein change: p.Ile862Met; replaces isoleucine 862 with methionine.
Molecular consequence: missense variant.
Genome position (GRCh38, 1-based): chr3:121,490,345, G>C on the plus strand (C>G on the coding strand, the complement: POLQ is on the minus strand). VCF-style: chr3-121490345-G-C. GRCh37 (hg19) VCF-style: chr3-121209192-G-C.
Other names: short protein forms I862M.
Identifiers: ClinVar variation 1793429 (VCV001793429.3), dbSNP rs2546788497, ClinGen allele CA354105758.
Genomic context (GRCh38, chr3:121,490,345, plus strand): 5'-TTCTTCCACTATAAGGGCTGCTGCTTCCCTTTCAGTTAAACCTTTTCTGCCAGTCACCCA[G>C]ATAGTTCGCATATTGCGACGTTCTTCAACTGCTTCCTCTTCCTCATCCACTGCCTTCCGG-3'
Protein context (NP_955452.3, residues 852-872): AVEERRNMRT[Ile862Met]WVTGRKGLTE